The following is an entry in ClinVar:

ClinVar aggregate classification (germline): Uncertain significance (1 of 4 stars; one submission).

Conditions:
Gamma-aminobutyric acid transaminase deficiency (GABATD). Also called: GABA transaminase deficiency; Gamma aminobutyrate transaminase deficiency; 4 alpha aminobutyrate transaminase deficiency; GABA aminotransaminase deficiency. Identifiers: Orphanet 2066, MedGen C0342708, MONDO:0013166, OMIM 613163.

Allele frequency attached by ClinVar (database versions not stated): gnomAD 0.00001; gnomAD exomes 0.00001; TOPMed 0.00002; ExAC 0.00003.

Submission:

Labcorp Genetics (formerly Invitae), Labcorp
Classification: Uncertain significance for Gamma-aminobutyric acid transaminase deficiency. Last evaluated: 2024-10-23. Review status: criteria provided, single submitter. Criteria: Invitae Variant Classification Sherloc (09022015). Collection method: clinical testing. Allele origin: germline.
Comment: This sequence change replaces methionine, which is neutral and non-polar, with isoleucine, which is neutral and non-polar, at codon 177 of the ABAT protein (p.Met177Ile). This variant is present in population databases (rs779411867, gnomAD 0.007%). This variant has not been reported in the literature in individuals affected with ABAT-related conditions. ClinVar contains an entry for this variant (Variation ID: 948619). Invitae Evidence Modeling of protein sequence and biophysical properties (such as structural, functional, and spatial information, amino acid conservation, physicochemical variation, residue mobility, and thermodynamic stability) indicates that this missense variant is not expected to disrupt ABAT protein function with a negative predictive value of 80%. In summary, the available evidence is currently insufficient to determine the role of this variant in disease. Therefore, it has been classified as a Variant of Uncertain Significance.

NM_020686.6(ABAT):c.531G>C (p.Met177Ile)

Gene: ABAT (4-aminobutyrate aminotransferase; plus strand). Cytogenetic location: 16p13.2.
Variant type: single nucleotide variant.
Coding change: c.531G>C on transcript NM_020686.6 (MANE Select); coding-DNA position 531, G replaced by C.
Protein change: p.Met177Ile; replaces methionine 177 with isoleucine.
Molecular consequence: missense variant. On other transcripts: intron variant (1).
Genome position (GRCh38, 1-based): chr16:8,764,821, G>C. VCF-style: chr16-8764821-G-C. GRCh37 (hg19) VCF-style: chr16-8858678-G-C.
Other names: c.531G>C, p.Met177Ile (NM_000663.5, NM_001127448.2, NM_001386600.1 and 9 more transcripts); c.396G>C, p.Met132Ile (NM_001386610.1, NM_001386611.1, NM_001386612.1 and 1 more transcripts); c.285G>C, p.Met95Ile (NM_001386614.1); c.627G>C, p.Met209Ile (NM_001386615.1); c.447+672G>C (NM_001386608.1); short protein forms M177I, M132I, M209I, M95I.
Identifiers: ClinVar variation 948619 (VCV000948619.10), dbSNP rs779411867, ClinGen allele CA7893159.